The following is an entry in ClinVar:

NM_001267550.2(TTN):c.16356del (p.Phe5452fs)

Gene: TTN (titin; minus strand). Cytogenetic location: 2q31.2.
Variant type: Deletion.
Coding change: c.16356del on transcript NM_001267550.2 (MANE Select); coding-DNA position 16356, one base deleted (T; older notation c.16356delT).
Protein change: p.Phe5452fs; shifts the reading frame from phenylalanine 5452.
Molecular consequence: frameshift variant. On other transcripts: intron variant (3).
Genome position (GRCh38, 1-based): chr2:178,732,705, A deleted on the plus strand (T on the coding strand, the reverse complement: TTN is on the minus strand); the first of 4 consecutive A bases (chr2:178,732,705-178,732,708); deleting any one gives the same sequence. VCF-style (leftmost placement, unchanged base first): chr2-178732704-CA-C. GRCh37 (hg19) VCF-style: chr2-179597431-CA-C.
Other names: c.16356del (NM_001267550.1); c.15405del, p.Phe5135fs (NM_001256850.1); c.16353delT, p.Phe5452Leufs (NM_001267550.1); c.12624del, p.Phe4208fs (NM_133378.4); c.13282+5377del (NM_003319.4); c.13858+5377del (NM_133437.4); c.13657+5377del (NM_133432.3); short protein forms F5135fs, F5452fs, F4208fs.
Identifiers: ClinVar variation 2102207 (VCV002102207.5), dbSNP rs1297169683, ClinGen allele CA538437830.

ClinVar aggregate classification (germline): Conflicting classifications of pathogenicity. Review status: criteria provided, conflicting classifications (1 of 4 stars). 2 submissions from 2 submitters: Likely pathogenic (1); Uncertain significance (1). Last evaluated 2025-06-03.

Conditions:
Dilated cardiomyopathy 1G (CMD1G). Identifiers: Orphanet 154, MedGen C1858763, MONDO:0011400, OMIM 604145.
Autosomal recessive limb-girdle muscular dystrophy type 2J (LGMDR10). Also called: Limb-girdle muscular dystrophy, type 2J; MUSCULAR DYSTROPHY, LIMB-GIRDLE, AUTOSOMAL RECESSIVE 10. Identifiers: Orphanet 140922, MedGen C1837342, MONDO:0012127, OMIM 608807.

Submissions (2):

GeneDx
Classification: Uncertain significance. Last evaluated: 2025-06-03. Review status: criteria provided, single submitter. Criteria: GeneDx Variant Classification Process June 2021. Collection method: clinical testing. Allele origin: germline. Affected: yes.
Comment: Frameshift variant predicted to result in protein truncation or nonsense mediated decay in a gene or region of a gene for which loss of function is not a well-established mechanism of disease; Not observed at significant frequency in large population cohorts (gnomAD); Has not been previously published as pathogenic or benign to our knowledge

Labcorp Genetics (formerly Invitae), Labcorp
Classification: Likely pathogenic for Dilated cardiomyopathy 1G; Autosomal recessive limb-girdle muscular dystrophy type 2J. Last evaluated: 2024-10-18. Review status: criteria provided, single submitter. Criteria: Invitae Variant Classification Sherloc (09022015). Collection method: clinical testing. Allele origin: germline.
Comment: This sequence change creates a premature translational stop signal (p.Phe5452Leufs*2) in the TTN gene. While this is not anticipated to result in nonsense mediated decay, it is expected to create a truncated TTN protein. This variant is present in population databases (no rsID available, gnomAD 0.01%). This variant has not been reported in the literature in individuals affected with TTN-related conditions. ClinVar contains an entry for this variant (Variation ID: 2102207). This variant is located in the I band of TTN (PMID: 25589632). Truncating variants in this region have been reported in individuals affected with autosomal recessive centronuclear myopathy (PMID: 23975875, internal data). Truncating variants in this region have also been identified in individuals affected with autosomal dominant dilated cardiomyopathy and/or cardio-related conditions (PMID: 27869827, 32964742, internal data). In summary, the currently available evidence indicates that the variant is pathogenic, but additional data are needed to prove that conclusively. Therefore, this variant has been classified as Likely Pathogenic.

Literature cited by the submitters: PubMed 25589632 (cited by Labcorp Genetics (formerly Invitae), Labcorp); PubMed 23975875 (cited by Labcorp Genetics (formerly Invitae), Labcorp); PubMed 27869827 (cited by Labcorp Genetics (formerly Invitae), Labcorp); PubMed 32964742 (cited by Labcorp Genetics (formerly Invitae), Labcorp).